The following is an entry in ClinVar:

NM_020297.4(ABCC9):c.486A>G (p.Ile162Met)

Gene: ABCC9 (ATP binding cassette subfamily C member 9; minus strand). Cytogenetic location: 12p12.1.
Variant type: single nucleotide variant.
Coding change: c.486A>G on transcript NM_020297.4 (MANE Select); coding-DNA position 486, A replaced by G.
Protein change: p.Ile162Met; replaces isoleucine 162 with methionine.
Molecular consequence: missense variant. On other transcripts: intron variant (1).
Genome position (GRCh38, 1-based): chr12:21,917,024, T>C on the plus strand (A>G on the coding strand, the complement: ABCC9 is on the minus strand). VCF-style: chr12-21917024-T-C. GRCh37 (hg19) VCF-style: chr12-22069958-T-C.
Other names: c.486A>G, p.Ile162Met (NM_001377273.1, NM_005691.4); c.-48-3958A>G (NM_001377274.1); short protein forms I162M.
Identifiers: ClinVar variation 4777655 (VCV004777655.1).

ClinVar aggregate classification (germline): Uncertain significance (1 of 4 stars; one submission).

Conditions:
Dilated cardiomyopathy 1O (CMD1O). Also called: CARDIOMYOPATHY, DILATED, WITH VENTRICULAR TACHYCARDIA. Identifiers: Orphanet 154, MedGen C1837839, MONDO:0012062, OMIM 608569.

gnomAD v4.1: 1 of 1,613,902 alleles (0.000062%); highest among the groups gnomAD compares: Admixed American, 0.0017%; no homozygotes.

Submission:

Labcorp Genetics (formerly Invitae), Labcorp
Classification: Uncertain significance for Dilated cardiomyopathy 1O. Last evaluated: 2025-04-11. Review status: criteria provided, single submitter. Criteria: Invitae Variant Classification Sherloc (09022015). Collection method: clinical testing. Allele origin: germline.
Comment: This sequence change replaces isoleucine, which is neutral and non-polar, with methionine, which is neutral and non-polar, at codon 162 of the ABCC9 protein (p.Ile162Met). This variant is present in population databases (no rsID available, gnomAD 0.003%). This variant has not been reported in the literature in individuals affected with ABCC9-related conditions. Invitae Evidence Modeling of protein sequence and biophysical properties (such as structural, functional, and spatial information, amino acid conservation, physicochemical variation, residue mobility, and thermodynamic stability) indicates that this missense variant is not expected to disrupt ABCC9 protein function with a negative predictive value of 95%. In summary, the available evidence is currently insufficient to determine the role of this variant in disease. Therefore, it has been classified as a Variant of Uncertain Significance.